The following is an entry in ClinVar:

NM_001370466.1(NOD2):c.2648G>C (p.Arg883Thr)

Gene: NOD2 (nucleotide binding oligomerization domain containing 2; plus strand). Cytogenetic location: 16q12.1.
Variant type: single nucleotide variant.
Coding change: c.2648G>C on transcript NM_001370466.1 (MANE Select); coding-DNA position 2648, G replaced by C.
Protein change: p.Arg883Thr; replaces arginine 883 with threonine.
Molecular consequence: missense variant. On other transcripts: non-coding transcript variant (1).
Genome position (GRCh38, 1-based): chr16:50,722,636, G>C. VCF-style: chr16-50722636-G-C. GRCh37 (hg19) VCF-style: chr16-50756547-G-C.
Other names: c.2648G>C, p.Arg883Thr (NM_001293557.2); c.2729G>C, p.Arg910Thr (NM_022162.3); short protein forms R883T, R910T.
Identifiers: ClinVar variation 1469552 (VCV001469552.6), dbSNP rs1354091032, ClinGen allele CA395875048.
Genomic context (GRCh38, chr16:50,722,636, plus strand): 5'-TCAGGTACTCACTGACACTGTCTGTTGACTCTTTTGGCCTTTTCAGATTCTGGGGCAACA[G>C]AGTGGGTGACGAGGGGGCCCAGGCCCTGGCTGAAGCCTTGGGTGATCACCAGAGCTTGAG-3'
Protein context (NP_001357395.1, residues 873-893): SLQFLGFWGN[Arg883Thr]VGDEGAQALA

ClinVar aggregate classification (germline): Uncertain significance (1 of 4 stars; one submission).

Conditions:
Blau syndrome (BLAUS). Also called: ARTHROCUTANEOUVEAL GRANULOMATOSIS; GRANULOMATOSIS, FAMILIAL JUVENILE SYSTEMIC; GRANULOMATOSIS, FAMILIAL, BLAU TYPE; GRANULOMATOUS INFLAMMATORY ARTHRITIS, DERMATITIS, AND UVEITIS, FAMILIAL; JABS SYNDROME. Identifiers: Orphanet 90340, MedGen C5201146, MONDO:0008523, OMIM 186580.
Regional enteritis. Also called: Enteritis, Granulomatous. Identifiers: MedGen C0678202, MeSH D003424.

gnomAD v4.1: 1 of 1,614,240 alleles (0.000062%); highest among the groups gnomAD compares: Middle Eastern, 0.016%; no homozygotes.

Submission:

Labcorp Genetics (formerly Invitae), Labcorp
Classification: Uncertain significance for Regional enteritis; Blau syndrome. Last evaluated: 2021-11-12. Review status: criteria provided, single submitter. Criteria: Invitae Variant Classification Sherloc (09022015). Collection method: clinical testing. Allele origin: germline.
Comment: In summary, the available evidence is currently insufficient to determine the role of this variant in disease. Therefore, it has been classified as a Variant of Uncertain Significance. This sequence change replaces arginine, which is basic and polar, with threonine, which is neutral and polar, at codon 910 of the NOD2 protein (p.Arg910Thr). This variant is not present in population databases (gnomAD no frequency). This variant has not been reported in the literature in individuals affected with NOD2-related conditions. Advanced modeling of protein sequence and biophysical properties (such as structural, functional, and spatial information, amino acid conservation, physicochemical variation, residue mobility, and thermodynamic stability) performed at Invitae indicates that this missense variant is not expected to disrupt NOD2 protein function.